The following is an entry in ClinVar:

NM_145290.4(ADGRA3):c.140G>A (p.Gly47Glu)

Gene: ADGRA3 (adhesion G protein-coupled receptor A3; minus strand). Cytogenetic location: 4p15.2.
Variant type: single nucleotide variant.
Coding change: c.140G>A on transcript NM_145290.4 (MANE Select); coding-DNA position 140, G replaced by A.
Protein change: p.Gly47Glu; replaces glycine 47 with glutamic acid.
Molecular consequence: missense variant.
Genome position (GRCh38, 1-based): chr4:22,515,645, C>T on the plus strand (G>A on the coding strand, the complement: ADGRA3 is on the minus strand). VCF-style: chr4-22515645-C-T. GRCh37 (hg19) VCF-style: chr4-22517268-C-T.
Other names: short protein forms G47E.
Identifiers: ClinVar variation 1487355 (VCV001487355.8), dbSNP rs775802126, ClinGen allele CA2874389.

ClinVar aggregate classification (germline): Uncertain significance (1 of 4 stars; one submission).

Allele frequency attached by ClinVar (database versions not stated): gnomAD exomes 0.00002 and 0.00005; ExAC 0.00010.

Submission:

Labcorp Genetics (formerly Invitae), Labcorp
Classification: Uncertain significance. Last evaluated: 2025-01-12. Review status: criteria provided, single submitter. Criteria: Invitae Variant Classification Sherloc (09022015). Collection method: clinical testing. Allele origin: germline.
Comment: This sequence change replaces glycine, which is neutral and non-polar, with glutamic acid, which is acidic and polar, at codon 47 of the ADGRA3 protein (p.Gly47Glu). This variant is present in population databases (rs775802126, gnomAD 0.03%). This variant has not been reported in the literature in individuals affected with ADGRA3-related conditions. ClinVar contains an entry for this variant (Variation ID: 1487355). An algorithm developed to predict the effect of missense changes on protein structure and function (PolyPhen-2) suggests that this variant is likely to be tolerated. In summary, the available evidence is currently insufficient to determine the role of this variant in disease. Therefore, it has been classified as a Variant of Uncertain Significance.